The following is an entry in ClinVar:

ClinVar aggregate classification (germline): Pathogenic (1 of 4 stars; one submission).

Allele frequency attached by ClinVar (database versions not stated): gnomAD exomes below 0.00001 and 0.00001; TOPMed 0.00002; gnomAD 0.00001.
gnomAD v4.1: 4 of 1,613,948 alleles (0.00025%); highest among the groups gnomAD compares: East Asian, 0.0022%; no homozygotes.

Submission:

Labcorp Genetics (formerly Invitae), Labcorp
Classification: Pathogenic. Last evaluated: 2025-07-05. Review status: criteria provided, single submitter. Criteria: Invitae Variant Classification Sherloc (09022015). Collection method: clinical testing. Allele origin: germline.
Comment: This sequence change creates a premature translational stop signal (p.Arg1416*) in the CAD gene. It is expected to result in an absent or disrupted protein product. Loss-of-function variants in CAD are known to be pathogenic (PMID: 28007989, 32117025, 32820246, 33497533). This variant is present in population databases (no rsID available, gnomAD 0.006%). This variant has not been reported in the literature in individuals affected with CAD-related conditions. ClinVar contains an entry for this variant (Variation ID: 1454035). For these reasons, this variant has been classified as Pathogenic.

Literature cited by the submitters: PubMed 28007989; PubMed 32117025; PubMed 32820246; PubMed 33497533.

NM_004341.5(CAD):c.4246C>T (p.Arg1416Ter)

Gene: CAD (carbamoyl-phosphate synthetase 2, aspartate transcarbamylase, and dihydroorotase; plus strand). Cytogenetic location: 2p23.3.
Variant type: single nucleotide variant.
Coding change: c.4246C>T on transcript NM_004341.5 (MANE Select); coding-DNA position 4246, C replaced by T.
Protein change: p.Arg1416Ter; replaces arginine 1416 with a stop codon.
Molecular consequence: nonsense.
Genome position (GRCh38, 1-based): chr2:27,236,455, C>T. VCF-style: chr2-27236455-C-T. GRCh37 (hg19) VCF-style: chr2-27459323-C-T.
Other names: c.4057C>T, p.Arg1353Ter (NM_001306079.2); short protein forms R1353*, R1416*.
Identifiers: ClinVar variation 1454035 (VCV001454035.6), dbSNP rs1360308012, ClinGen allele CA346219212.